The following is an entry in ClinVar:

NM_001113378.2(FANCI):c.337A>C (p.Ile113Leu)

Gene: FANCI (FA complementation group I; plus strand). Cytogenetic location: 15q26.1.
Variant type: single nucleotide variant.
Coding change: c.337A>C on transcript NM_001113378.2 (MANE Select); coding-DNA position 337, A replaced by C.
Protein change: p.Ile113Leu; replaces isoleucine 113 with leucine.
Molecular consequence: missense variant.
Genome position (GRCh38, 1-based): chr15:89,261,633, A>C. VCF-style: chr15-89261633-A-C. GRCh37 (hg19) VCF-style: chr15-89804864-A-C.
Other names: c.58A>C, p.Ile20Leu (NM_001376910.1); c.337A>C, p.Ile113Leu (NM_001376911.1, NM_018193.3); short protein forms I113L, I20L.
Identifiers: ClinVar variation 1495705 (VCV001495705.6), dbSNP rs766158703, ClinGen allele CA7722587.

ClinVar aggregate classification (germline): Uncertain significance (1 of 4 stars; one submission).

Conditions:
Fanconi anemia (FA). Also called: Fanconi's anemia. Identifiers: Orphanet 84, MedGen C0015625, MeSH D005199, MONDO:0019391.

Allele frequency attached by ClinVar (database versions not stated): gnomAD exomes below 0.00001; ExAC 0.00001.
gnomAD v4.1: 1 of 1,614,190 alleles (0.000062%); highest among the groups gnomAD compares: South Asian, 0.0011%; no homozygotes.

Submission:

Labcorp Genetics (formerly Invitae), Labcorp
Classification: Uncertain significance for Fanconi anemia. Last evaluated: 2021-10-07. Review status: criteria provided, single submitter. Criteria: Invitae Variant Classification Sherloc (09022015). Collection method: clinical testing. Allele origin: germline.
Comment: This sequence change replaces isoleucine with leucine at codon 113 of the FANCI protein (p.Ile113Leu). The isoleucine residue is weakly conserved and there is a small physicochemical difference between isoleucine and leucine. In summary, the available evidence is currently insufficient to determine the role of this variant in disease. Therefore, it has been classified as a Variant of Uncertain Significance. Algorithms developed to predict the effect of missense changes on protein structure and function (SIFT, PolyPhen-2, Align-GVGD) all suggest that this variant is likely to be tolerated. This variant has not been reported in the literature in individuals affected with FANCI-related conditions. This variant is present in population databases (rs766158703, ExAC 0.006%).